The following is an entry in ClinVar:

ClinVar aggregate classification (germline): Likely benign (0 of 4 stars; one submission).

Conditions:
EFCAB13-related disorder. Also called: EFCAB13-related condition.

Allele frequency attached by ClinVar (database versions not stated): TOPMed 0.00007; gnomAD 0.00038; gnomAD exomes 0.00066; ExAC 0.00148; 1000 Genomes Project 30x 0.00187; 1000 Genomes Project 0.00200.

Submission:

PreventionGenetics, part of Exact Sciences
Classification: Likely benign for EFCAB13-related condition. Last evaluated: 2019-07-01. Review status: no assertion criteria provided. Collection method: clinical testing. Allele origin: germline.
Comment: This variant is classified as likely benign based on ACMG/AMP sequence variant interpretation guidelines (Richards et al. 2015 PMID: 25741868, with internal and published modifications).

NM_152347.5(EFCAB13):c.1530dup (p.Asp511fs)

Gene: EFCAB13 (EF-hand calcium binding domain 13; plus strand). Cytogenetic location: 17q21.32.
Variant type: Duplication.
Coding change: c.1530dup on transcript NM_152347.5 (MANE Select); coding-DNA position 1530, one base duplicated (A; older notation c.1530dupA).
Protein change: p.Asp511fs; shifts the reading frame from aspartic acid 511.
Molecular consequence: frameshift variant.
Genome position (GRCh38, 1-based): chr17:47,379,201, A duplicated. VCF-style (leftmost placement, unchanged base first): chr17-47379200-T-TA. GRCh37 (hg19) VCF-style: chr17-45456566-T-TA.
Other names: c.1242dup, p.Asp415fs (NM_001195192.2); c.1530dup, p.Asp511Argfs (NM_001426585.1); c.1386dup, p.Asp463Argfs (NM_001426586.1, NM_001426587.1); c.1242dup, p.Asp415Argfs (NM_001426588.1); short protein forms D415fs, D511fs.
Identifiers: ClinVar variation 3042531 (VCV003042531.2), dbSNP rs368918546, ClinGen allele CA8623973.